The following is an entry in ClinVar:

NM_001034850.3(RETREG1):c.821A>G (p.Glu274Gly)

Gene: RETREG1 (reticulophagy regulator 1; minus strand). Cytogenetic location: 5p15.1.
Variant type: single nucleotide variant.
Coding change: c.821A>G on transcript NM_001034850.3 (MANE Select); coding-DNA position 821, A replaced by G.
Protein change: p.Glu274Gly; replaces glutamic acid 274 with glycine.
Molecular consequence: missense variant.
Genome position (GRCh38, 1-based): chr5:16,478,086, T>C on the plus strand (A>G on the coding strand, the complement: RETREG1 is on the minus strand). VCF-style: chr5-16478086-T-C. GRCh37 (hg19) VCF-style: chr5-16478195-T-C.
Other names: c.398A>G, p.Glu133Gly (NM_019000.5); short protein forms E133G, E274G.
Identifiers: ClinVar variation 1399118 (VCV001399118.8), dbSNP rs1190939710, ClinGen allele CA359258275.

ClinVar aggregate classification (germline): Uncertain significance (1 of 4 stars; one submission).

Allele frequency attached by ClinVar (database versions not stated): TOPMed below 0.00001; gnomAD 0.00001; gnomAD exomes 0.00001.
gnomAD v4.1: 6 of 1,610,976 alleles (0.00037%); highest among the groups gnomAD compares: Non-Finnish European, 0.00051%; no homozygotes.

Submission:

Labcorp Genetics (formerly Invitae), Labcorp
Classification: Uncertain significance. Last evaluated: 2021-05-18. Review status: criteria provided, single submitter. Criteria: Invitae Variant Classification Sherloc (09022015). Collection method: clinical testing. Allele origin: germline.
Comment: This sequence change replaces glutamic acid with glycine at codon 274 of the RETREG1 protein (p.Glu274Gly). The glutamic acid residue is moderately conserved and there is a moderate physicochemical difference between glutamic acid and glycine. This variant is not present in population databases (ExAC no frequency). In summary, the available evidence is currently insufficient to determine the role of this variant in disease. Therefore, it has been classified as a Variant of Uncertain Significance. Algorithms developed to predict the effect of missense changes on protein structure and function output the following: SIFT: "Tolerated"; PolyPhen-2: "Possibly Damaging"; Align-GVGD: "Class C0". The glycine amino acid residue is found in multiple mammalian species, suggesting that this missense change does not adversely affect protein function. These predictions have not been confirmed by published functional studies and their clinical significance is uncertain. This variant has not been reported in the literature in individuals with RETREG1-related conditions.